The following is an entry in ClinVar:

ClinVar aggregate classification (germline): Uncertain significance (1 of 4 stars; one submission).

Conditions:
Familial focal epilepsy with variable foci (FPEVF). Identifiers: Orphanet 98820, MedGen C1858477, MONDO:0020310.

gnomAD v4.1: 1 of 1,614,120 alleles (0.000062%); highest among the groups gnomAD compares: Non-Finnish European, 0.000085%; no homozygotes.

Submission:

Labcorp Genetics (formerly Invitae), Labcorp
Classification: Uncertain significance for Familial focal epilepsy with variable foci. Last evaluated: 2022-03-08. Review status: criteria provided, single submitter. Criteria: Invitae Variant Classification Sherloc (09022015). Collection method: clinical testing. Allele origin: germline.
Comment: In summary, the available evidence is currently insufficient to determine the role of this variant in disease. Therefore, it has been classified as a Variant of Uncertain Significance. Algorithms developed to predict the effect of missense changes on protein structure and function are either unavailable or do not agree on the potential impact of this missense change (SIFT: "Tolerated"; PolyPhen-2: "Not Available"; Align-GVGD: "Class C0"). This variant has not been reported in the literature in individuals affected with DEPDC5-related conditions. This variant is not present in population databases (gnomAD no frequency). This sequence change replaces methionine, which is neutral and non-polar, with isoleucine, which is neutral and non-polar, at codon 856 of the DEPDC5 protein (p.Met856Ile).

NM_001242896.3(DEPDC5):c.2568G>C (p.Met856Ile)

Gene: DEPDC5 (DEP domain containing 5, GATOR1 subcomplex subunit; plus strand). Cytogenetic location: 22q12.3.
Variant type: single nucleotide variant.
Coding change: c.2568G>C on transcript NM_001242896.3 (MANE Select); coding-DNA position 2568, G replaced by C.
Protein change: p.Met856Ile; replaces methionine 856 with isoleucine.
Molecular consequence: missense variant. On other transcripts: non-coding transcript variant (5).
Genome position (GRCh38, 1-based): chr22:31,843,147, G>C. VCF-style: chr22-31843147-G-C. GRCh37 (hg19) VCF-style: chr22-32239133-G-C.
Other names: c.2541G>C, p.Met847Ile (NM_001136029.4, NM_001369903.1, NM_014662.6); c.2334G>C, p.Met778Ile (NM_001242897.2, NM_001363854.2, NM_001364319.2); c.2568G>C, p.Met856Ile (NM_001363852.2, NM_001364318.2, NM_001364320.2); c.2484G>C, p.Met828Ile (NM_001369901.1, NM_001369902.1); short protein forms M828I, M847I, M778I, M856I.
Identifiers: ClinVar variation 2166993 (VCV002166993.4), dbSNP rs2520089013, ClinGen allele CA411288660.
Genomic context (GRCh38, chr22:31,843,147, plus strand): 5'-TCTGTTAGGCCTTGTGTCCCGAAACCGCCCTGAGGAGGAGGACCAGTATTGGCTGAGTAT[G>C]GGCAGAACGTTCCACAAAGTGACGCTGAAGGATAAGATGATCACAGTGACGCGATACCTT-3'
Protein context (NP_001229825.1, residues 846-866): PEEEDQYWLS[Met856Ile]GRTFHKVTLK